The following is an entry in ClinVar:

ClinVar aggregate classification (germline): Uncertain significance (1 of 4 stars; one submission).

Conditions:
Charcot-Marie-Tooth disease axonal type 2O. Also called: CHARCOT-MARIE-TOOTH NEUROPATHY, AXONAL, TYPE 2O; CHARCOT-MARIE-TOOTH DISEASE, AXONAL, AUTOSOMAL DOMINANT, TYPE 2O; Charcot-Marie-Tooth Neuropathy Type 2O; Charcot-Marie-Tooth disease, axonal, type 20. Identifiers: Orphanet 284232, MedGen C3280220, MONDO:0013644, OMIM 614228.

Submission:

Labcorp Genetics (formerly Invitae), Labcorp
Classification: Uncertain significance for Charcot-Marie-Tooth disease axonal type 2O. Last evaluated: 2022-10-28. Review status: criteria provided, single submitter. Criteria: Invitae Variant Classification Sherloc (09022015). Collection method: clinical testing. Allele origin: germline.
Comment: In summary, the available evidence is currently insufficient to determine the role of this variant in disease. Therefore, it has been classified as a Variant of Uncertain Significance. Advanced modeling of protein sequence and biophysical properties (such as structural, functional, and spatial information, amino acid conservation, physicochemical variation, residue mobility, and thermodynamic stability) performed at Invitae indicates that this missense variant is not expected to disrupt DYNC1H1 protein function. This variant has not been reported in the literature in individuals affected with DYNC1H1-related conditions. This variant is not present in population databases (gnomAD no frequency). This sequence change replaces asparagine, which is neutral and polar, with serine, which is neutral and polar, at codon 3912 of the DYNC1H1 protein (p.Asn3912Ser).

NM_001376.5(DYNC1H1):c.11735A>G (p.Asn3912Ser)

Gene: DYNC1H1 (dynein cytoplasmic 1 heavy chain 1; plus strand). Cytogenetic location: 14q32.31.
Variant type: single nucleotide variant.
Coding change: c.11735A>G on transcript NM_001376.5 (MANE Select); coding-DNA position 11735, A replaced by G.
Protein change: p.Asn3912Ser; replaces asparagine 3912 with serine.
Molecular consequence: missense variant.
Genome position (GRCh38, 1-based): chr14:102,040,280, A>G. VCF-style: chr14-102040280-A-G. GRCh37 (hg19) VCF-style: chr14-102506617-A-G.
Other names: short protein forms N3912S.
Identifiers: ClinVar variation 2810388 (VCV002810388.3), dbSNP rs2503850159, ClinGen allele CA391036549.